The following is an entry in ClinVar:

NM_020639.3(RIPK4):c.721C>T (p.Arg241Cys)

Gene: RIPK4 (receptor interacting serine/threonine kinase 4; minus strand). Cytogenetic location: 21q22.3.
Variant type: single nucleotide variant.
Coding change: c.721C>T on transcript NM_020639.3 (MANE Select); coding-DNA position 721, C replaced by T.
Protein change: p.Arg241Cys; replaces arginine 241 with cysteine.
Molecular consequence: missense variant.
Genome position (GRCh38, 1-based): chr21:41,746,724, G>A on the plus strand (C>T on the coding strand, the complement: RIPK4 is on the minus strand). VCF-style: chr21-41746724-G-A. GRCh37 (hg19) VCF-style: chr21-43166884-G-A.
Other names: short protein forms R241C.
Identifiers: ClinVar variation 1187860 (VCV001187860.3), dbSNP rs1351455476, ClinGen allele CA410330395.

ClinVar aggregate classification (germline): Uncertain significance. Review status: criteria provided, multiple submitters, no conflicts (2 of 4 stars). 2 submissions from 2 submitters: Uncertain significance (2). Last evaluated 2025-06-16.

Conditions:
Bartsocas-Papas syndrome 1. Also called: MULTIPLE PTERYGIUM SYNDROME, ASLAN TYPE; PTERYGIUM, POPLITEAL, LETHAL TYPE; Bartsocas-Papas syndrome. Identifiers: Orphanet 1234, MedGen C1849718, MONDO:0009901, OMIM 263650.

Allele frequency attached by ClinVar (database versions not stated): gnomAD exomes below 0.00001.

Submissions (2):

First Genomix Gene Laboratory, Genetic Diagnostics Department
Classification: Uncertain significance for Bartsocas-Papas syndrome 1. Last evaluated: 2025-06-16. Review status: criteria provided, single submitter. Criteria: ACMG Guidelines, 2015. Collection method: clinical testing. Allele origin: germline. Inheritance: Autosomal recessive inheritance. Affected: yes. Observed: 1 variant allele.

GeneDx
Classification: Uncertain significance. Last evaluated: 2019-09-06. Review status: criteria provided, single submitter. Criteria: GeneDx Variant Classification Process June 2021. Collection method: clinical testing. Allele origin: germline. Affected: yes.
Comment: Not observed at a significant frequency in large population cohorts (Lek et al., 2016); In silico analysis, which includes protein predictors and evolutionary conservation, supports a deleterious effect; Has not been previously published as pathogenic or benign to our knowledge